The following is an entry in ClinVar:

NM_021813.4(BACH2):c.2320G>A (p.Ala774Thr)

Gene: BACH2 (BACH transcriptional regulator 2; minus strand). Cytogenetic location: 6q15.
Variant type: single nucleotide variant.
Coding change: c.2320G>A on transcript NM_021813.4 (MANE Select); coding-DNA position 2320, G replaced by A.
Protein change: p.Ala774Thr; replaces alanine 774 with threonine.
Molecular consequence: missense variant.
Genome position (GRCh38, 1-based): chr6:89,932,614, C>T on the plus strand (G>A on the coding strand, the complement: BACH2 is on the minus strand). VCF-style: chr6-89932614-C-T. GRCh37 (hg19) VCF-style: chr6-90642333-C-T.
Other names: c.2320G>A, p.Ala774Thr (NM_001170794.2); short protein forms A774T.
Identifiers: ClinVar variation 2062198 (VCV002062198.4), dbSNP rs760300804, ClinGen allele CA3927813.

ClinVar aggregate classification (germline): Uncertain significance (1 of 4 stars; one submission).

Allele frequency attached by ClinVar (database versions not stated): gnomAD 0.00002; TOPMed 0.00002; gnomAD exomes 0.00004; ExAC 0.00005.
gnomAD v4.1: 61 of 1,613,824 alleles (0.0038%); highest among the groups gnomAD compares: South Asian, 0.037%; no homozygotes.

Submission:

Labcorp Genetics (formerly Invitae), Labcorp
Classification: Uncertain significance. Last evaluated: 2025-09-29. Review status: criteria provided, single submitter. Criteria: Invitae Variant Classification Sherloc (09022015). Collection method: clinical testing. Allele origin: germline.
Comment: This sequence change replaces alanine, which is neutral and non-polar, with threonine, which is neutral and polar, at codon 774 of the BACH2 protein (p.Ala774Thr). This variant is present in population databases (rs760300804, gnomAD 0.04%), and has an allele count higher than expected for a pathogenic variant. This variant has not been reported in the literature in individuals affected with BACH2-related conditions. ClinVar contains an entry for this variant (Variation ID: 2062198). Invitae Evidence Modeling of protein sequence and biophysical properties (such as structural, functional, and spatial information, amino acid conservation, physicochemical variation, residue mobility, and thermodynamic stability) indicates that this missense variant is not expected to disrupt BACH2 protein function with a negative predictive value of 80%. In summary, the available evidence is currently insufficient to determine the role of this variant in disease. Therefore, it has been classified as a Variant of Uncertain Significance.